The following is an entry in ClinVar:

ClinVar aggregate classification (germline): Benign. Review status: criteria provided, multiple submitters, no conflicts (2 of 4 stars). 9 submissions from 9 submitters: Benign (6). 3 of the submissions do not count toward it. Last evaluated 2026-02-03.

Conditions:
Kabuki syndrome 2 (KABUK2). Also called: KDM6A-Related Kabuki Syndrome. Identifiers: Orphanet 2322, MedGen C3275495, MONDO:0010465, OMIM 300867.

Submissions (9):

Labcorp Genetics (formerly Invitae), Labcorp
Classification: Benign for Kabuki syndrome 2. Last evaluated: 2026-02-03. Review status: criteria provided, single submitter. Criteria: Invitae Variant Classification Sherloc (09022015). Collection method: clinical testing. Allele origin: germline.

Blueprint Genetics
Classification: Benign. Last evaluated: 2024-11-28. Review status: criteria provided, single submitter. Criteria: ACMG Guidelines, 2015. Collection method: clinical testing. Allele origin: germline.

Unidad de Genómica Garrahan, Hospital de Pediatría Garrahan
Classification: Benign. Last evaluated: 2024-01-24. Review status: criteria provided, single submitter. Criteria: ACMG Guidelines, 2015. Collection method: clinical testing. Allele origin: germline. Affected: no. Observed: 31 variant alleles.
Comment: This variant is classified as Benign based on local population frequency. This variant was detected in 33% of patients studied by a panel of primary immunodeficiencies. Number of patients: 31. Only high quality variants are reported.

Genome-Nilou Lab
Classification: Benign for Kabuki syndrome 2. Last evaluated: 2021-08-19. Review status: criteria provided, single submitter. Criteria: ACMG Guidelines, 2015. Collection method: clinical testing. Allele origin: germline. Affected: no.

GeneDx
Classification: Benign. Last evaluated: 2019-08-10. Review status: criteria provided, single submitter. Criteria: GeneDx Variant Classification Process June 2021. Collection method: clinical testing. Allele origin: germline. Affected: yes.

Eurofins Ntd Llc (ga)
Classification: Benign. Last evaluated: 2015-10-21. Review status: criteria provided, single submitter. Criteria: EGL Classification Definitions 2015. Collection method: clinical testing. Allele origin: germline. Observed: 11 variant alleles, 3 heterozygotes, 2 homozygotes, 6 hemizygotes.

Diagnostic Laboratory, Department of Genetics, University Medical Center Groningen
Classification: Benign. Review status: no assertion criteria provided. Collection method: clinical testing. Allele origin: germline. Affected: yes. Study: VKGL Data-share Consensus. Not counted in ClinVar's aggregate classification.

Genome Diagnostics Laboratory, University Medical Center Utrecht
Classification: Likely benign. Review status: no assertion criteria provided. Collection method: clinical testing. Allele origin: germline. Affected: yes. Study: VKGL Data-share Consensus. Not counted in ClinVar's aggregate classification.

Laboratory of Diagnostic Genome Analysis, Leiden University Medical Center (LUMC)
Classification: Benign. Review status: no assertion criteria provided. Collection method: clinical testing. Allele origin: germline. Affected: yes. Study: VKGL Data-share Consensus. Not counted in ClinVar's aggregate classification.

NM_001291415.2(KDM6A):c.2859-5del

Gene: KDM6A (lysine demethylase 6A; plus strand). Cytogenetic location: Xp11.3.
Variant type: Deletion.
Coding change: c.2859-5del on transcript NM_001291415.2 (MANE Select); 5 bases into the intron before coding-DNA position 2859, one base deleted (T; older notation c.2859-5delT).
Molecular consequence: intron variant.
Genome position (GRCh38, 1-based): chrX:45,076,692, T deleted; the last of 13 consecutive T bases (chrX:45,076,680-45,076,692); deleting any one gives the same sequence. VCF-style (leftmost placement, unchanged base first): chrX-45076679-CT-C. GRCh37 (hg19) VCF-style: chrX-44935924-CT-C.
Other names: c.2703-5del (NM_021140.4); c.2724-5del (NM_001291416.2); c.2568-5del (NM_001291417.2); c.2466-5del (NM_001291418.2); c.1815-5del (NM_001291421.2).
Identifiers: ClinVar variation 281158 (VCV000281158.24), dbSNP rs10605935, ClinGen allele CA10392556.